The following is an entry in ClinVar:

ClinVar aggregate classification (germline): Uncertain significance (1 of 4 stars; one submission).

Conditions:
Hereditary pheochromocytoma and paraganglioma. Also called: Hereditary pheochromocytoma-paraganglioma; Hereditary paragangliomas and pheochromocytomas; Hereditary Paraganglioma-Pheochromocytoma Syndromes. Identifiers: Orphanet 29072, MedGen C4274332, MONDO:0017366.

Submission:

Labcorp Genetics (formerly Invitae), Labcorp
Classification: Uncertain significance for Hereditary pheochromocytoma and paraganglioma. Last evaluated: 2019-01-20. Review status: criteria provided, single submitter. Criteria: Invitae Variant Classification Sherloc (09022015). Collection method: clinical testing. Allele origin: germline.
Comment: In summary, the available evidence is currently insufficient to determine the role of this variant in disease. Therefore, it has been classified as a Variant of Uncertain Significance. Algorithms developed to predict the effect of missense changes on protein structure and function (SIFT, PolyPhen-2, Align-GVGD) all suggest that this variant is likely to be tolerated, but these predictions have not been confirmed by published functional studies and their clinical significance is uncertain. This variant has not been reported in the literature in individuals with SDHAF2-related conditions. This variant is not present in population databases (ExAC no frequency). This sequence change replaces lysine with threonine at codon 149 of the SDHAF2 protein (p.Lys149Thr). The lysine residue is moderately conserved and there is a moderate physicochemical difference between lysine and threonine.

NM_017841.4(SDHAF2):c.446A>C (p.Lys149Thr)

Gene: SDHAF2 (succinate dehydrogenase complex assembly factor 2; plus strand). Cytogenetic location: 11q12.2.
Variant type: single nucleotide variant.
Coding change: c.446A>C on transcript NM_017841.4 (MANE Select); coding-DNA position 446, A replaced by C.
Protein change: p.Lys149Thr; replaces lysine 149 with threonine.
Molecular consequence: missense variant.
Genome position (GRCh38, 1-based): chr11:61,446,016, A>C. VCF-style: chr11-61446016-A-C. GRCh37 (hg19) VCF-style: chr11-61213488-A-C.
Other names: short protein forms K149T.
Identifiers: ClinVar variation 847577 (VCV000847577.9), dbSNP rs1862132865, ClinGen allele CA380685414.
Genomic context (GRCh38, chr11:61,446,016, plus strand): 5'-CAGAAATATTTGAAAATGAAGTCATGGCCCTGCTGAGAGACTTTGCTAAAAACAAAAACA[A>C]AGAGCAGAGACTGCGTGCCCCAGATCTTGAGTACCTCTTTGAAAAGCCACGTTGAGCTGT-3'
Protein context (NP_060311.1, residues 139-159): LLRDFAKNKN[Lys149Thr]EQRLRAPDLE